The following is an entry in ClinVar:

NM_001042492.3(NF1):c.2436del (p.Ile812fs)

Gene: NF1 (neurofibromin 1; plus strand). Cytogenetic location: 17q11.2.
Variant type: Deletion.
Coding change: c.2436del on transcript NM_001042492.3 (MANE Select); coding-DNA position 2436, one base deleted (T; older notation c.2436delT).
Protein change: p.Ile812fs; shifts the reading frame from isoleucine 812.
Molecular consequence: frameshift variant.
Genome position (GRCh38, 1-based): chr17:31,229,051, T deleted; the last of 2 consecutive T bases (chr17:31,229,050-31,229,051); deleting either gives the same sequence. VCF-style (leftmost placement, unchanged base first): chr17-31229049-AT-A. GRCh37 (hg19) VCF-style: chr17-29556067-AT-A.
Other names: c.2436del, p.Ile812fs (NM_000267.4); short protein forms I812fs.
Identifiers: ClinVar variation 4720237 (VCV004720237.1).

ClinVar aggregate classification (germline): Pathogenic (1 of 4 stars; one submission).

Conditions:
Neurofibromatosis, type 1 (NF1). Also called: NEUROFIBROMATOSIS, TYPE I, SOMATIC; VON RECKLINGHAUSEN DISEASE; Peripheral type neurofibromatosis; Neurofibromatosis, type I. Identifiers: Orphanet 636, MedGen C0027831, MONDO:0018975, OMIM 162200. Disease mechanism: loss of function.

Submission:

Labcorp Genetics (formerly Invitae), Labcorp
Classification: Pathogenic for Neurofibromatosis, type 1. Last evaluated: 2025-05-26. Review status: criteria provided, single submitter. Criteria: Invitae Variant Classification Sherloc (09022015). Collection method: clinical testing. Allele origin: germline.
Comment: This sequence change creates a premature translational stop signal (p.Ile812Metfs*9) in the NF1 gene. It is expected to result in an absent or disrupted protein product. Loss-of-function variants in NF1 are known to be pathogenic (PMID: 10712197, 23913538). This variant is not present in population databases (gnomAD no frequency). This variant has not been reported in the literature in individuals affected with NF1-related conditions. For these reasons, this variant has been classified as Pathogenic.

Literature cited by the submitters: PubMed 10712197; PubMed 23913538.